The following is an entry in ClinVar:

ClinVar aggregate classification (germline): Uncertain significance (1 of 4 stars; one submission).

Conditions:
STAT3 gain of function. Identifiers: MedGen C4288261.
Hyper-IgE recurrent infection syndrome 1, autosomal dominant. Also called: JOB SYNDROME; STAT3 Hyper IgE Syndrome; Job's Syndrome; Hyper-IgE recurrent infection syndrome 1; HYPER-IgE SYNDROME 1, AUTOSOMAL DOMINANT, WITH RECURRENT INFECTIONS. Identifiers: Orphanet 2314, MedGen C2936739, MONDO:0007818, OMIM 147060.

Allele frequency attached by ClinVar (database versions not stated): gnomAD 0.00001; TOPMed 0.00001.
gnomAD v4.1: 3 of 1,613,988 alleles (0.00019%); highest among the groups gnomAD compares: Non-Finnish European, 0.00017%; no homozygotes.

Submission:

Labcorp Genetics (formerly Invitae), Labcorp
Classification: Uncertain significance for STAT3 gain of function; Hyper-IgE recurrent infection syndrome 1, autosomal dominant. Last evaluated: 2024-08-20. Review status: criteria provided, single submitter. Criteria: Invitae Variant Classification Sherloc (09022015). Collection method: clinical testing. Allele origin: germline.
Comment: This sequence change replaces serine, which is neutral and polar, with phenylalanine, which is neutral and non-polar, at codon 768 of the STAT3 protein (p.Ser768Phe). This variant is not present in population databases (gnomAD no frequency). This variant has not been reported in the literature in individuals affected with STAT3-related conditions. ClinVar contains an entry for this variant (Variation ID: 1045933). Invitae Evidence Modeling of protein sequence and biophysical properties (such as structural, functional, and spatial information, amino acid conservation, physicochemical variation, residue mobility, and thermodynamic stability) indicates that this missense variant is not expected to disrupt STAT3 protein function with a negative predictive value of 95%. In summary, the available evidence is currently insufficient to determine the role of this variant in disease. Therefore, it has been classified as a Variant of Uncertain Significance.

NM_139276.3(STAT3):c.2303C>T (p.Ser768Phe)

Gene: STAT3 (signal transducer and activator of transcription 3; minus strand). Cytogenetic location: 17q21.2.
Variant type: single nucleotide variant.
Coding change: c.2303C>T on transcript NM_139276.3 (MANE Select); coding-DNA position 2303, C replaced by T.
Protein change: p.Ser768Phe; replaces serine 768 with phenylalanine.
Molecular consequence: missense variant. On other transcripts: 3 prime UTR variant (7).
Genome position (GRCh38, 1-based): chr17:42,315,755, G>A on the plus strand (C>T on the coding strand, the complement: STAT3 is on the minus strand). VCF-style: chr17-42315755-G-A. GRCh37 (hg19) VCF-style: chr17-40467773-G-A.
Other names: c.2303C>T, p.Ser768Phe (NM_001369512.1, NM_001369513.1); c.2300C>T, p.Ser767Phe (NM_001369514.1, NM_001369516.1, NM_003150.4); c.*84C>T (NM_001369517.1, NM_001369518.1, NM_001369519.1 and 4 more transcripts); c.2219C>T, p.Ser740Phe (NM_001384984.1); c.2225C>T, p.Ser742Phe (NM_001384985.1); c.2282C>T, p.Ser761Phe (NM_001384987.1); c.2207C>T, p.Ser736Phe (NM_001384988.1); c.2204C>T, p.Ser735Phe (NM_001384989.1); and 3 more; short protein forms S759F, S761F, S742F, S767F, S736F, S740F, S748F, S768F.
Identifiers: ClinVar variation 1045933 (VCV001045933.9), dbSNP rs1191676333, ClinGen allele CA399578888.